The following is an entry in ClinVar:

NM_001378454.1(ALMS1):c.8151_8152del (p.Ser2718fs)

Gene: ALMS1 (ALMS1 centrosome and basal body associated protein; plus strand). Cytogenetic location: 2p13.1.
Variant type: Deletion.
Coding change: c.8151_8152del on transcript NM_001378454.1 (MANE Select); coding-DNA positions 8151 to 8152, 2 bases deleted (TT; older notation c.8151_8152delTT).
Protein change: p.Ser2718fs; shifts the reading frame from serine 2718.
Molecular consequence: frameshift variant.
Genome position (GRCh38, 1-based): chr2:73,490,110-73,490,111, TT deleted; deleting any 2 consecutive bases within chr2:73,490,107-73,490,111 gives the same sequence; the c. name uses the placement nearest the transcript's 3' end. VCF-style (leftmost placement, unchanged base first): chr2-73490106-CTT-C. GRCh37 (hg19) VCF-style: chr2-73717233-CTT-C.
Other names: c.8154_8155del, p.Ser2719fs (NM_015120.4); c.8154_8155delTT (NM_015120.4); short protein forms S2719fs, S2718fs.
Identifiers: ClinVar variation 1762199 (VCV001762199.2), dbSNP rs1553409691, ClinGen allele CA2580068236.

ClinVar aggregate classification (germline): Pathogenic (1 of 4 stars; one submission).

Conditions:
Cardiovascular phenotype. Identifiers: MedGen CN230736.

Submission:

Ambry Genetics
Classification: Pathogenic for Cardiovascular phenotype. Last evaluated: 2022-02-02. Review status: criteria provided, single submitter. Criteria: Ambry Variant Classification Scheme 2023. Collection method: clinical testing. Allele origin: germline.
Comment: The c.8154_8155delTT variant, located in coding exon 10 of the ALMS1 gene, results from a deletion of two nucleotides at nucleotide positions 8154 to 8155, causing a translational frameshift with a predicted alternate stop codon (p.S2719Ifs*6). This variant is considered to be rare based on population cohorts in the Genome Aggregation Database (gnomAD). This alteration is expected to result in loss of function by premature protein truncation or nonsense-mediated mRNA decay. As such, this alteration is interpreted as a disease-causing mutation.